The following is an entry in ClinVar:

NM_001793.6(CDH3):c.13C>T (p.Arg5Cys)

Genes: CDH3 (cadherin 3; plus strand), CDH3-AS1 (CDH3 antisense RNA 1; minus strand). Cytogenetic location: 16q22.1.
Variant type: single nucleotide variant.
Coding change: c.13C>T on transcript NM_001793.6 (MANE Select); coding-DNA position 13, C replaced by T.
Protein change: p.Arg5Cys; replaces arginine 5 with cysteine.
Molecular consequence: missense variant. On other transcripts: 5 prime UTR variant (1).
Genome position (GRCh38, 1-based): chr16:68,645,392, C>T. VCF-style: chr16-68645392-C-T. GRCh37 (hg19) VCF-style: chr16-68679295-C-T.
Other names: c.13C>T, p.Arg5Cys (NM_001317195.3); c.-38C>T (NM_001317196.2); short protein forms R5C.
Identifiers: ClinVar variation 1349498 (VCV001349498.8), dbSNP rs1458253449, ClinGen allele CA396455076.

ClinVar aggregate classification (germline): Uncertain significance (1 of 4 stars; one submission).

Submission:

Labcorp Genetics (formerly Invitae), Labcorp
Classification: Uncertain significance. Last evaluated: 2022-04-21. Review status: criteria provided, single submitter. Criteria: Invitae Variant Classification Sherloc (09022015). Collection method: clinical testing. Allele origin: germline.
Comment: This sequence change replaces arginine, which is basic and polar, with cysteine, which is neutral and slightly polar, at codon 5 of the CDH3 protein (p.Arg5Cys). In summary, the available evidence is currently insufficient to determine the role of this variant in disease. Therefore, it has been classified as a Variant of Uncertain Significance. Experimental studies and prediction algorithms are not available or were not evaluated, and the functional significance of this variant is currently unknown. This variant has not been reported in the literature in individuals affected with CDH3-related conditions. This variant is not present in population databases (gnomAD no frequency).